The following is an entry in ClinVar:

ClinVar aggregate classification (germline): Uncertain significance (1 of 4 stars; one submission).

gnomAD v4.1: 1 of 1,550,604 alleles (0.000064%); highest among the groups gnomAD compares: African/African-American, 0.0014%; no homozygotes.

Submission:

GeneDx
Classification: Uncertain significance. Last evaluated: 2023-11-16. Review status: criteria provided, single submitter. Criteria: GeneDx Variant Classification Process June 2021. Collection method: clinical testing. Allele origin: germline. Affected: yes.
Comment: Not observed at significant frequency in large population cohorts (gnomAD); In silico analysis supports that this missense variant does not alter protein structure/function; Has not been previously published as pathogenic or benign to our knowledge

NM_001292063.2(OTOG):c.6658C>T (p.Leu2220Phe)

Gene: OTOG (otogelin; plus strand). Cytogenetic location: 11p15.1.
Variant type: single nucleotide variant.
Coding change: c.6658C>T on transcript NM_001292063.2 (MANE Select); coding-DNA position 6658, C replaced by T.
Protein change: p.Leu2220Phe; replaces leucine 2220 with phenylalanine.
Molecular consequence: missense variant.
Genome position (GRCh38, 1-based): chr11:17,629,262, C>T. VCF-style: chr11-17629262-C-T. GRCh37 (hg19) VCF-style: chr11-17650809-C-T.
Other names: c.6694C>T, p.Leu2232Phe (NM_001277269.2); short protein forms L2220F, L2232F.
Identifiers: ClinVar variation 3364350 (VCV003364350.1).